The following is an entry in ClinVar:

ClinVar aggregate classification (germline): Uncertain significance (1 of 4 stars; one submission).

Conditions:
Tyrosinemia type I (TYRSN1). Also called: Tyrosinemia type 1; Fumarylacetoacetase deficiency; Deficiency of fumarylacetoacetase; FAH DEFICIENCY; HEPATORENAL TYROSINEMIA. Identifiers: Orphanet 882, MedGen C0268490, MONDO:0010161, OMIM 276700. Disease mechanism: loss of function.

Allele frequency attached by ClinVar (database versions not stated): TOPMed below 0.00001; gnomAD 0.00001.
gnomAD v4.1: 2 of 1,614,110 alleles (0.00012%); highest among the groups gnomAD compares: African/African-American, 0.0027%; no homozygotes.

Submission:

Labcorp Genetics (formerly Invitae), Labcorp
Classification: Uncertain significance for Tyrosinemia type I. Last evaluated: 2022-05-12. Review status: criteria provided, single submitter. Criteria: Invitae Variant Classification Sherloc (09022015). Collection method: clinical testing. Allele origin: germline.
Comment: This sequence change replaces glutamine, which is neutral and polar, with arginine, which is basic and polar, at codon 132 of the FAH protein (p.Gln132Arg). This variant is present in population databases (no rsID available, gnomAD 0.01%). This variant has not been reported in the literature in individuals affected with FAH-related conditions. Advanced modeling of protein sequence and biophysical properties (such as structural, functional, and spatial information, amino acid conservation, physicochemical variation, residue mobility, and thermodynamic stability) performed at Invitae indicates that this missense variant is not expected to disrupt FAH protein function. In summary, the available evidence is currently insufficient to determine the role of this variant in disease. Therefore, it has been classified as a Variant of Uncertain Significance.

NM_000137.4(FAH):c.395A>G (p.Gln132Arg)

Gene: FAH (fumarylacetoacetate hydrolase; plus strand). Cytogenetic location: 15q25.1.
Variant type: single nucleotide variant.
Coding change: c.395A>G on transcript NM_000137.4 (MANE Select); coding-DNA position 395, A replaced by G.
Protein change: p.Gln132Arg; replaces glutamine 132 with arginine.
Molecular consequence: missense variant.
Genome position (GRCh38, 1-based): chr15:80,162,276, A>G. VCF-style: chr15-80162276-A-G. GRCh37 (hg19) VCF-style: chr15-80454618-A-G.
Other names: c.395A>G, p.Gln132Arg (NM_001374377.1, NM_001374380.1); short protein forms Q132R.
Identifiers: ClinVar variation 2184950 (VCV002184950.1), dbSNP rs1180399013, ClinGen allele CA393619372.